The following is an entry in ClinVar:

ClinVar aggregate classification (germline): Pathogenic (1 of 4 stars; one submission).

Conditions:
Polycystic kidney disease, adult type (PKD1). Also called: Polycystic Kidney, Autosomal Dominant; POLYCYSTIC KIDNEY DISEASE 1 WITH OR WITHOUT POLYCYSTIC LIVER DISEASE; POLYCYSTIC KIDNEY DISEASE, ADULT, TYPE I; Polycystic Kidney Disease 1, Autosomal Dominant; Polycystic kidney disease 1; Polycystic kidney disease 1, severe. Identifiers: MedGen C3149841, MONDO:0008263, OMIM 173900.

Submission:

Kasturba Medical College, Manipal, Kasturba Medical College, Manipal, Manipal Academy of Higher Education, Manipal, India
Classification: Pathogenic for Polycystic kidney disease, adult type. Review status: criteria provided, single submitter. Criteria: ACMG Guidelines, 2015. Collection method: clinical testing. Allele origin: maternal. Inheritance: Autosomal dominant inheritance. Affected: yes. Observed: 1 heterozygote.
Comment: This variant is likely to result in a shift in the reading frame, which results in the premature termination which is likely to result in either truncated protein or nonsense mediated mRNA decay. The clinical findings observed in the proband and other affected individuals in the family are in concordance with polycystic kidney disease 1.

NM_001009944.3(PKD1):c.12178dup (p.Gln4060fs)

Gene: PKD1 (polycystin 1, transient receptor potential channel interacting; minus strand). Cytogenetic location: 16p13.3.
Variant type: Duplication.
Coding change: c.12178dup on transcript NM_001009944.3 (MANE Select); coding-DNA position 12178, one base duplicated (C; older notation c.12178dupC).
Protein change: p.Gln4060fs; shifts the reading frame from glutamine 4060.
Molecular consequence: frameshift variant.
Genome position (GRCh38, 1-based): chr16:2,090,551, G duplicated on the plus strand (C on the coding strand, the reverse complement: PKD1 is on the minus strand); the first of 3 consecutive G bases (chr16:2,090,551-2,090,553); duplicating any one gives the same sequence. VCF-style (leftmost placement, unchanged base first): chr16-2090550-T-TG. GRCh37 (hg19) VCF-style: chr16-2140551-T-TG.
Other names: c.12175dup, p.Gln4059fs (NM_000296.4); short protein forms Q4059fs, Q4060fs.
Identifiers: ClinVar variation 3338630 (VCV003338630.2).